The following is an entry in ClinVar:

NM_005535.3(IL12RB1):c.1973G>A (p.Cys658Tyr)

Gene: IL12RB1 (interleukin 12 receptor subunit beta 1; minus strand). Cytogenetic location: 19p13.11.
Variant type: single nucleotide variant.
Coding change: c.1973G>A on transcript NM_005535.3 (MANE Select); coding-DNA position 1973, G replaced by A.
Protein change: p.Cys658Tyr; replaces cysteine 658 with tyrosine.
Molecular consequence: missense variant. On other transcripts: intron variant (1).
Genome position (GRCh38, 1-based): chr19:18,059,904, C>T on the plus strand (G>A on the coding strand, the complement: IL12RB1 is on the minus strand). VCF-style: chr19-18059904-C-T. GRCh37 (hg19) VCF-style: chr19-18170714-C-T.
Other names: c.2093G>A, p.Cys698Tyr (NM_001290024.2); c.1970+3G>A (NM_001290023.2); short protein forms C658Y, C698Y.
Identifiers: ClinVar variation 3724937 (VCV003724937.3).

ClinVar aggregate classification (germline): Uncertain significance. Review status: criteria provided, multiple submitters, no conflicts (2 of 4 stars). 2 submissions from 2 submitters: Uncertain significance (2). Last evaluated 2025-07-03.

Conditions:
Mendelian susceptibility to mycobacterial diseases due to complete IL12RB1 deficiency. Also called: Immunodeficiency 30; IL12RB1 DEFICIENCY. Identifiers: Orphanet 319552, MedGen C4013949, MONDO:0013955, OMIM 614891.
Inborn genetic diseases. Identifiers: MedGen C0950123, MeSH D030342.

gnomAD v4.1: 2 of 1,576,970 alleles (0.00013%); highest among the groups gnomAD compares: Non-Finnish European, 0.00017%; no homozygotes.

Submissions (2):

Ambry Genetics
Classification: Uncertain significance for Inborn genetic diseases. Last evaluated: 2025-07-03. Review status: criteria provided, single submitter. Criteria: Ambry Variant Classification Scheme 2023. Collection method: clinical testing. Allele origin: germline.

Labcorp Genetics (formerly Invitae), Labcorp
Classification: Uncertain significance for Mendelian susceptibility to mycobacterial diseases due to complete IL12RB1 deficiency. Last evaluated: 2025-01-21. Review status: criteria provided, single submitter. Criteria: Invitae Variant Classification Sherloc (09022015). Collection method: clinical testing. Allele origin: germline.
Comment: This sequence change replaces cysteine, which is neutral and slightly polar, with tyrosine, which is neutral and polar, at codon 658 of the IL12RB1 protein (p.Cys658Tyr). This variant is not present in population databases (gnomAD no frequency). This variant has not been reported in the literature in individuals affected with IL12RB1-related conditions. An algorithm developed to predict the effect of missense changes on protein structure and function (PolyPhen-2) suggests that this variant is likely to be disruptive. Algorithms developed to predict the effect of sequence changes on RNA splicing suggest that this variant may disrupt the consensus splice site. In summary, the available evidence is currently insufficient to determine the role of this variant in disease. Therefore, it has been classified as a Variant of Uncertain Significance.